The following is an entry in ClinVar:

ClinVar aggregate classification (germline): Uncertain significance. Review status: criteria provided, multiple submitters, no conflicts (2 of 4 stars). 2 submissions from 2 submitters: Uncertain significance (2). Last evaluated 2022-10-13.

Conditions:
Ataxia-telangiectasia-like disorder (ATLD). Identifiers: MedGen C1858391, MONDO:0011457.
Hereditary cancer-predisposing syndrome. Also called: Neoplastic Syndromes, Hereditary; Tumor predisposition; Hereditary Cancer Syndrome; Hereditary neoplastic syndrome. Identifiers: Orphanet 140162, MedGen C0027672, MeSH D009386, MONDO:0015356.

Allele frequency attached by ClinVar (database versions not stated): gnomAD 0.00001; TOPMed 0.00001.
gnomAD v4.1: 9 of 1,612,826 alleles (0.00056%); highest among the groups gnomAD compares: Admixed American, 0.0033%; no homozygotes.

Submissions (2):

Ambry Genetics
Classification: Uncertain significance for Hereditary cancer-predisposing syndrome. Last evaluated: 2022-10-13. Review status: criteria provided, single submitter. Criteria: Ambry Variant Classification Scheme 2023. Collection method: clinical testing. Allele origin: germline.
Comment: The p.Q258R variant (also known as c.773A>G), located in coding exon 7 of the MRE11A gene, results from an A to G substitution at nucleotide position 773. The glutamine at codon 258 is replaced by arginine, an amino acid with highly similar properties. This amino acid position is highly conserved in available vertebrate species. In addition, the in silico prediction for this alteration is inconclusive. Since supporting evidence is limited at this time, the clinical significance of this alteration remains unclear.

Labcorp Genetics (formerly Invitae), Labcorp
Classification: Uncertain significance for Ataxia-telangiectasia-like disorder. Last evaluated: 2021-08-28. Review status: criteria provided, single submitter. Criteria: Invitae Variant Classification Sherloc (09022015). Collection method: clinical testing. Allele origin: germline.
Comment: This sequence change replaces glutamine with arginine at codon 258 of the MRE11 protein (p.Gln258Arg). The glutamine residue is moderately conserved and there is a small physicochemical difference between glutamine and arginine. This variant is not present in population databases (ExAC no frequency). This variant has not been reported in the literature in individuals affected with MRE11-related conditions. ClinVar contains an entry for this variant (Variation ID: 187002). Algorithms developed to predict the effect of missense changes on protein structure and function (SIFT, PolyPhen-2, Align-GVGD) all suggest that this variant is likely to be tolerated. In summary, the available evidence is currently insufficient to determine the role of this variant in disease. Therefore, it has been classified as a Variant of Uncertain Significance.

NM_005591.4(MRE11):c.773A>G (p.Gln258Arg)

Gene: MRE11 (MRE11 double strand break repair nuclease; minus strand). Cytogenetic location: 11q21.
Variant type: single nucleotide variant.
Coding change: c.773A>G on transcript NM_005591.4 (MANE Select); coding-DNA position 773, A replaced by G.
Protein change: p.Gln258Arg; replaces glutamine 258 with arginine.
Molecular consequence: missense variant.
Genome position (GRCh38, 1-based): chr11:94,471,646, T>C on the plus strand (A>G on the coding strand, the complement: MRE11 is on the minus strand). VCF-style: chr11-94471646-T-C. GRCh37 (hg19) VCF-style: chr11-94204812-T-C.
Other names: c.773A>G, p.Gln258Arg (NM_001330347.2, NM_005590.4); short protein forms Q258R.
Identifiers: ClinVar variation 187002 (VCV000187002.10), dbSNP rs761771002, ClinGen allele CA196449.
Genomic context (GRCh38, chr11:94,471,646, plus strand): 5'-TCTCCTGGGGAAAGAGAAGTAACCACTGAGCTTCCAGGTTGTGAGATATAAAACAGCTGT[T>C]GTTCATTTTTGGTTGGAGCTATTTTACACTCATGTTCATGGCCCCAGATAACAAGATCAA-3'
Protein context (NP_005582.1, residues 248-268): ECKIAPTKNE[Gln258Arg]QLFYISQPGS